The following is an entry in ClinVar:

ClinVar aggregate classification (germline): Uncertain significance (1 of 4 stars; one submission).

Submission:

GeneDx
Classification: Uncertain significance. Last evaluated: 2023-05-18. Review status: criteria provided, single submitter. Criteria: GeneDx Variant Classification Process June 2021. Collection method: clinical testing. Allele origin: germline. Affected: yes.
Comment: Not observed at significant frequency in large population cohorts (gnomAD); In silico analysis supports that this missense variant has a deleterious effect on protein structure/function; Has not been previously published as pathogenic or benign to our knowledge

NM_002948.5(RPL15):c.23A>C (p.Gln8Pro)

Genes: NKIRAS1 (NFKB inhibitor interacting Ras like 1; minus strand), RPL15 (ribosomal protein L15; plus strand). Cytogenetic location: 3p24.2.
Variant type: single nucleotide variant.
Coding change: c.23A>C on transcript NM_002948.5 (MANE Select); coding-DNA position 23, A replaced by C.
Protein change: p.Gln8Pro; replaces glutamine 8 with proline.
Molecular consequence: missense variant. On other transcripts: intron variant (1).
Genome position (GRCh38, 1-based): chr3:23,917,882, A>C. VCF-style: chr3-23917882-A-C. GRCh37 (hg19) VCF-style: chr3-23959373-A-C.
Other names: c.23A>C, p.Gln8Pro (NM_001253379.2, NM_001253380.2, NM_001253382.2 and 2 more transcripts); c.-139-6432T>G (NM_001377380.1); short protein forms Q8P.
Identifiers: ClinVar variation 2662347 (VCV002662347.1), dbSNP rs2471214132, ClinGen allele CA351880997.